The following is an entry in ClinVar:

NM_182961.4(SYNE1):c.20006dup (p.Ala6670fs)

Gene: SYNE1 (spectrin repeat containing nuclear envelope protein 1; minus strand). Cytogenetic location: 6q25.2.
Variant type: Duplication.
Coding change: c.20006dup on transcript NM_182961.4 (MANE Select); coding-DNA position 20006, one base duplicated (A; older notation c.20006dupA).
Protein change: p.Ala6670fs; shifts the reading frame from alanine 6670.
Molecular consequence: frameshift variant.
Genome position (GRCh38, 1-based): chr6:152,239,594, T duplicated on the plus strand (A on the coding strand, the reverse complement: SYNE1 is on the minus strand). VCF-style (leftmost placement, unchanged base first): chr6-152239593-C-CT. GRCh37 (hg19) VCF-style: chr6-152560728-C-CT.
Other names: c.19793dup, p.Ala6599fs (NM_033071.5); c.19793dupA (NM_033071.3); short protein forms A6599fs, A6670fs.
Identifiers: ClinVar variation 545948 (VCV000545948.6), dbSNP rs1385280819, ClinGen allele CA571129704.

ClinVar aggregate classification (germline): Pathogenic/Likely pathogenic. Review status: criteria provided, multiple submitters, no conflicts (2 of 4 stars). 2 submissions from 2 submitters: Pathogenic (1); Likely pathogenic (1). Last evaluated 2022-04-08.

Conditions:
Autosomal recessive ataxia, Beauce type. Also called: SYNE1-Related Autosomal Recessive Cerebellar Ataxia; Spinocerebellar ataxia, autosomal recessive 8; ATAXIA, RECESSIVE, OF BEAUCE; SYNE1 Deficiency. Identifiers: Orphanet 88644, MedGen C1853116, MONDO:0012549, OMIM 610743.
Emery-Dreifuss muscular dystrophy 4, autosomal dominant (EDMD4). Also called: EMERY-DREIFUSS MUSCULAR DYSTROPHY 4 WITH VARIABLE FEATURES. Identifiers: Orphanet 261, MedGen C2751807, MONDO:0013071, OMIM 612998.

Allele frequency attached by ClinVar (database versions not stated): gnomAD exomes below 0.00001.

Submissions (2):

Labcorp Genetics (formerly Invitae), Labcorp
Classification: Pathogenic for Emery-Dreifuss muscular dystrophy 4, autosomal dominant; Autosomal recessive ataxia, Beauce type. Last evaluated: 2022-04-08. Review status: criteria provided, single submitter. Criteria: Invitae Variant Classification Sherloc (09022015). Collection method: clinical testing. Allele origin: germline.
Comment: This variant is present in population databases (no rsID available, gnomAD 0.0009%). This sequence change creates a premature translational stop signal (p.Ala6599Glyfs*27) in the SYNE1 gene. It is expected to result in an absent or disrupted protein product. Loss-of-function variants in SYNE1 are known to be pathogenic (PMID: 19542096, 24319099, 27086870). This variant has not been reported in the literature in individuals affected with SYNE1-related conditions. ClinVar contains an entry for this variant (Variation ID: 545948). For these reasons, this variant has been classified as Pathogenic.

GeneDx
Classification: Likely pathogenic. Last evaluated: 2018-05-18. Review status: criteria provided, single submitter. Criteria: GeneDx Variant Classification (06012015). Collection method: clinical testing. Allele origin: germline. Affected: yes.
Comment: A variant that is likely pathogenic has been identified in the SYNE1 gene. The c.19793dupA variant has not been published as a pathogenic variant, nor has it been reported as a benign variant to our knowledge. The c.19793dupA variant is not observed at a significant frequency in large population cohorts (Lek et al., 2016). The c.19793dupA variant causes a frameshift starting with codon Alanine 6599, changes this amino acid to a Glycine residue and creates a premature Stop codon at position 27 of the new reading frame, denoted p.Ala6599GlyfsX27. This variant is predicted to cause loss of normal protein function either through protein truncation or nonsense-mediated mRNA decay. Therefore, this variant is likely pathogenic; however, the possibility that it is benign cannot be excluded.

Literature cited by the submitters: PubMed 19542096 (cited by Labcorp Genetics (formerly Invitae), Labcorp); PubMed 24319099 (cited by Labcorp Genetics (formerly Invitae), Labcorp); PubMed 27086870 (cited by Labcorp Genetics (formerly Invitae), Labcorp).